The following is an entry in ClinVar:

ClinVar aggregate classification (germline): Pathogenic (1 of 4 stars; one submission).

Submission:

Labcorp Genetics (formerly Invitae), Labcorp
Classification: Pathogenic. Last evaluated: 2022-09-14. Review status: criteria provided, single submitter. Criteria: Invitae Variant Classification Sherloc (09022015). Collection method: clinical testing. Allele origin: germline.
Comment: For these reasons, this variant has been classified as Pathogenic. This variant has not been reported in the literature in individuals affected with MYO5B-related conditions. This variant is a gross deletion of the genomic region encompassing exon(s) 24-27 of the MYO5B gene. This deletion is out-of-frame, and is expected to create a premature termination codon and result in an absent or disrupted protein product. Loss-of-function variants in MYO5B are known to be pathogenic (PMID: 18724368, 20186687).

Literature cited by the submitters: PubMed 18724368; PubMed 20186687.

NC_000018.9:g.(?_47398517)_(47405480_?)del

Gene: MYO5B (myosin VB; minus strand). Cytogenetic location: 18q21.1.
Variant type: Deletion.
Identifiers: ClinVar variation 2423651 (VCV002423651.4).